The following is an entry in ClinVar:

ClinVar aggregate classification (germline): Likely benign. Review status: criteria provided, multiple submitters, no conflicts (2 of 4 stars). 6 submissions from 5 submitters: Likely benign (6). Last evaluated 2025-12-09.

Conditions:
Inborn genetic diseases. Identifiers: MedGen C0950123, MeSH D030342.
Familial cutaneous telangiectasia and oropharyngeal predisposition cancer syndrome. Identifiers: Orphanet 313846, MedGen C3281203, MONDO:0013806, OMIM 614564.
Seckel syndrome 1 (SCKL1). Also called: MICROCEPHALIC PRIMORDIAL DWARFISM I. Identifiers: Orphanet 808, MedGen C4551474, MONDO:0008869, OMIM 210600.

Allele frequency attached by ClinVar (database versions not stated): gnomAD 0.00011; ESP Exome Variant Server 0.00015; 1000 Genomes Project 30x 0.00016; gnomAD exomes 0.00016; TOPMed 0.00018; 1000 Genomes Project 0.00020; ExAC 0.00024.
gnomAD v4.1: 294 of 1,613,082 alleles (0.018%); highest among the groups gnomAD compares: Non-Finnish European, 0.024%; no homozygotes.

Submissions (6):

Labcorp Genetics (formerly Invitae), Labcorp
Classification: Likely benign. Last evaluated: 2025-12-09. Review status: criteria provided, single submitter. Criteria: Invitae Variant Classification Sherloc (09022015). Collection method: clinical testing. Allele origin: germline.

CeGaT Center for Human Genetics Tuebingen
Classification: Likely benign. Last evaluated: 2024-06-01. Review status: criteria provided, single submitter. Criteria: CeGaT Center For Human Genetics Tuebingen Variant Classification Criteria Version 2. Collection method: clinical testing. Allele origin: germline. Affected: yes. Observed: 2 variant alleles.
Comment: ATR: BP4, BP7

Genome-Nilou Lab
Classification: Likely benign for Seckel syndrome 1. Last evaluated: 2023-02-08. Review status: criteria provided, single submitter. Criteria: ACMG Guidelines, 2015. Collection method: clinical testing. Allele origin: germline.

Genome-Nilou Lab
Classification: Likely benign for Familial cutaneous telangiectasia and oropharyngeal predisposition cancer syndrome. Last evaluated: 2023-02-08. Review status: criteria provided, single submitter. Criteria: ACMG Guidelines, 2015. Collection method: clinical testing. Allele origin: germline.

Ambry Genetics
Classification: Likely benign for Inborn genetic diseases. Last evaluated: 2022-02-12. Review status: criteria provided, single submitter. Criteria: Ambry Variant Classification Scheme 2023. Collection method: clinical testing. Allele origin: germline.

Blueprint Genetics
Classification: Likely benign. Last evaluated: 2021-09-20. Review status: criteria provided, single submitter. Criteria: ACMG Guidelines, 2015. Collection method: clinical testing. Allele origin: germline.

NM_001184.4(ATR):c.4944C>G (p.Ser1648=)

Gene: ATR (ATR checkpoint kinase; minus strand). Cytogenetic location: 3q23.
Variant type: single nucleotide variant.
Coding change: c.4944C>G on transcript NM_001184.4 (MANE Select); coding-DNA position 4944, C replaced by G.
Protein change: p.Ser1648=; no amino-acid change (serine 1648 retained).
Molecular consequence: synonymous variant.
Genome position (GRCh38, 1-based): chr3:142,508,018, G>C on the plus strand (C>G on the coding strand, the complement: ATR is on the minus strand). VCF-style: chr3-142508018-G-C. GRCh37 (hg19) VCF-style: chr3-142226860-G-C.
Other names: c.4752C>G, p.Ser1584= (NM_001354579.2).
Identifiers: ClinVar variation 809553 (VCV000809553.47), dbSNP rs200668215, ClinGen allele CA2649713.
Genomic context (GRCh38, chr3:142,508,018, plus strand): 5'-ATTTTGCTTCTTTTCTGTAATAAATGATTCAAAGTGCATTACAGCTCGTGTGTATGCTTT[G>C]GAGCGAAAGGAAGCTACTGCCAGAGTATCCTGGGGTATGAGGTCTAGAAAACGGGTTACA-3'
Protein context (NP_001175.2, residues 1638-1658): QDTLAVASFR[Ser1648=]KAYTRAVMHF